The following is an entry in ClinVar:

ClinVar aggregate classification (germline): Conflicting classifications of pathogenicity. Review status: criteria provided, conflicting classifications (1 of 4 stars). 3 submissions from 3 submitters: Uncertain significance (2); Likely benign (1). Last evaluated 2024-12-09.

Conditions:
Inborn genetic diseases. Identifiers: MedGen C0950123, MeSH D030342.
Gordon syndrome (DA3). Also called: ARTHROGRYPOSIS MULTIPLEX CONGENITA, DISTAL, TYPE IIA; CAMPTODACTYLY, CLEFT PALATE, AND CLUBFOOT; Gordon's syndrome. Identifiers: Orphanet 376, MedGen C0220666, MONDO:0007252, OMIM 114300.

Allele frequency attached by ClinVar (database versions not stated): ExAC 0.00006; gnomAD 0.00007; TOPMed 0.00007; 1000 Genomes Project 30x 0.00016; 1000 Genomes Project 0.00020.
gnomAD v4.1: 81 of 1,537,232 alleles (0.0053%); highest among the groups gnomAD compares: African/African-American, 0.018%; no homozygotes.

Submissions (3):

Labcorp Genetics (formerly Invitae), Labcorp
Classification: Likely benign. Last evaluated: 2024-12-09. Review status: criteria provided, single submitter. Criteria: Invitae Variant Classification Sherloc (09022015). Collection method: clinical testing. Allele origin: germline.

Victorian Clinical Genetics Services, Murdoch Childrens Research Institute
Classification: Uncertain significance for Gordon syndrome. Last evaluated: 2023-07-16. Review status: criteria provided, single submitter. Criteria: ACMG Guidelines, 2015. Collection method: clinical testing. Allele origin: germline. Affected: yes.
Comment: Based on the classification scheme VCGS_Germline_v1.3.4, this variant is classified as VUS-3C. Following criteria are met: 0103 - Loss of function and gain of function are known mechanisms of disease in this gene and are associated with arthrogryposis. Loss of function has generally been shown to be caused by NMD variants, whereas gain of function has generally been associated with missense variants clustered in the C-terminal region (PMID: 30988732). (I) 0108 - This gene is associated with both recessive and dominant disease. NMD variants are associated with recessive disease, while missense variants are associated with dominant disease (PMID: 30988732). The phenotypes have been recently regarded as etiologically related (PMID: 24726473). (I) 0200 - Variant is predicted to result in a missense amino acid change from arginine to cysteine. (I) 0251 - This variant is heterozygous. (I) 0304 - Variant is present in gnomAD <0.01 (v3: 11 heterozygotes, 0 homozygotes). (SP) 0309 - Multiple alternative amino acid changes at the same position have been observed in gnomAD (highest allele count v2: 37 heterozygotes, 0 homozygotes). (I) 0503 - Missense variant consistently predicted to be tolerated by multiple in silico tools or not conserved in placental mammals with a minor amino acid change. (SB) 0604 - Variant is not located in an established domain, motif, hotspot or informative constraint region. (I) 0710 - Another missense variant comparable to the one identified in this case has inconclusive previous evidence for pathogenicity. p.(Arg1853His) has been reported as a VUS in ClinVar. (I) 0807 - This variant has no previous evidence of pathogenicity. (I) 0905 - No published segregation evidence has been identified for this variant. (I) 1007 - No published functional evidence has been identified for this variant. (I) 1208 - Inheritance information for this variant is not currently available in this individual. (I) Legend: (SP) - Supporting pathogenic, (I) - Information, (SB) - Supporting benign

Ambry Genetics
Classification: Uncertain significance for Inborn genetic diseases. Last evaluated: 2022-12-19. Review status: criteria provided, single submitter. Criteria: Ambry Variant Classification Scheme 2023. Collection method: clinical testing. Allele origin: germline.

Literature cited by the submitters: PubMed 24726473 (cited by Victorian Clinical Genetics Services, Murdoch Childrens Research Institute); PubMed 30988732 (cited by Victorian Clinical Genetics Services, Murdoch Childrens Research Institute).

NM_001378183.1(PIEZO2):c.5896C>T (p.Arg1966Cys)

Gene: PIEZO2 (piezo type mechanosensitive ion channel component 2; minus strand). Cytogenetic location: 18p11.22.
Variant type: single nucleotide variant.
Coding change: c.5896C>T on transcript NM_001378183.1 (MANE Select); coding-DNA position 5896, C replaced by T.
Protein change: p.Arg1966Cys; replaces arginine 1966 with cysteine.
Molecular consequence: missense variant.
Genome position (GRCh38, 1-based): chr18:10,705,439, G>A on the plus strand (C>T on the coding strand, the complement: PIEZO2 is on the minus strand). VCF-style: chr18-10705439-G-A. GRCh37 (hg19) VCF-style: chr18-10705437-G-A.
Other names: c.5557C>T (NM_022068.3); c.5632C>T, p.Arg1878Cys (NM_001410871.1); c.5557C>T, p.Arg1853Cys (NM_022068.4); short protein forms R1966C, R1853C, R1878C.
Identifiers: ClinVar variation 3212729 (VCV003212729.4), dbSNP rs569343097, ClinGen allele CA8892300.
Genomic context (GRCh38, chr18:10,705,439, plus strand): 5'-GAGGTAAGATGCTGGACCCCAGCTTGTCGGTGCGGCTGTCGTCCGGGCTGACTGCCATAC[G>A]GTTCTTGCCTGCAGAGTCGTCCTGCGAGCCGAAGGACAGATGCTCGAAGCTCACAGCCTT-3'
Protein context (NP_001365112.1, residues 1956-1976): GSQDDSAGKN[Arg1966Cys]MAVSPDDSRT